The following is an entry in ClinVar:

NM_001267550.2(TTN):c.90523A>G (p.Ser30175Gly)

Genes: TTN (titin; minus strand), TTN-AS1 (TTN antisense RNA 1; plus strand). Cytogenetic location: 2q31.2.
Variant type: single nucleotide variant.
Coding change: c.90523A>G on transcript NM_001267550.2 (MANE Select); coding-DNA position 90523, A replaced by G.
Protein change: p.Ser30175Gly; replaces serine 30175 with glycine.
Molecular consequence: missense variant.
Genome position (GRCh38, 1-based): chr2:178,552,377, T>C on the plus strand (A>G on the coding strand, the complement: TTN is on the minus strand). VCF-style: chr2-178552377-T-C. GRCh37 (hg19) VCF-style: chr2-179417104-T-C.
Other names: c.85600A>G, p.Ser28534Gly (NM_001256850.1); c.63328A>G, p.Ser21110Gly (NM_003319.4); c.82819A>G, p.Ser27607Gly (NM_133378.4); c.63703A>G, p.Ser21235Gly (NM_133432.3); c.63904A>G, p.Ser21302Gly (NM_133437.4); short protein forms S21110G, S21235G, S21302G, S27607G, S28534G, S30175G.
Identifiers: ClinVar variation 4076476 (VCV004076476.2), dbSNP rs201060254.

ClinVar aggregate classification (germline): Likely benign. Review status: criteria provided, multiple submitters, no conflicts (2 of 4 stars). 2 submissions from 2 submitters: Likely benign (2). Last evaluated 2025-07-24.

gnomAD v4.1: 7 of 1,591,544 alleles (0.00044%); highest among the groups gnomAD compares: East Asian, 0.0022%; no homozygotes.

Submissions (2):

Molecular Diagnostic Laboratory for Inherited Cardiovascular Disease, Montreal Heart Institute
Classification: Likely benign. Last evaluated: 2025-07-24. Review status: criteria provided, single submitter. Criteria: ACMG Guidelines, 2015. Collection method: clinical testing. Allele origin: germline. Affected: no.
Comment: BP1

Blueprint Genetics
Classification: Likely benign. Last evaluated: 2024-06-19. Review status: criteria provided, single submitter. Criteria: ACMG Guidelines, 2015. Collection method: clinical testing. Allele origin: germline.